The following is an entry in ClinVar:

ClinVar aggregate classification (germline): Uncertain significance (1 of 4 stars; one submission).

Conditions:
Koolen-de Vries syndrome (KDVS). Identifiers: Orphanet 96169, MedGen C1864871, MONDO:0012496, OMIM 610443.

Submission:

Labcorp Genetics (formerly Invitae), Labcorp
Classification: Uncertain significance for Koolen-de Vries syndrome. Last evaluated: 2023-11-25. Review status: criteria provided, single submitter. Criteria: Invitae Variant Classification Sherloc (09022015). Collection method: clinical testing. Allele origin: germline.
Comment: This sequence change creates a premature translational stop signal (p.Glu1058*) in the KANSL1 gene. While this is not anticipated to result in nonsense mediated decay, it is expected to disrupt the last 48 amino acid(s) of the KANSL1 protein. This variant is not present in population databases (gnomAD no frequency). This variant has not been reported in the literature in individuals affected with KANSL1-related conditions. Algorithms developed to predict the effect of sequence changes on RNA splicing suggest that this variant may disrupt the consensus splice site. In summary, the available evidence is currently insufficient to determine the role of this variant in disease. Therefore, it has been classified as a Variant of Uncertain Significance.

NM_015443.4(KANSL1):c.3172G>T (p.Glu1058Ter)

Gene: KANSL1 (KAT8 regulatory NSL complex subunit 1). Cytogenetic location: 17q21.31.
Variant type: single nucleotide variant.
Coding change: c.3172G>T on transcript NM_015443.4 (MANE Select); coding-DNA position 3172, G replaced by T.
Protein change: p.Glu1058Ter; replaces glutamic acid 1058 with a stop codon.
Molecular consequence: nonsense.
Genome position (GRCh38, 1-based): chr17:46,031,622, C>A on the plus strand (G>T on the coding strand, the complement: KANSL1 is on the minus strand). VCF-style: chr17-46031622-C-A. GRCh37 (hg19) VCF-style: chr17-44108988-C-A.
Other names: c.3169G>T, p.Glu1057Ter (NM_001193465.2, NM_001405856.1, NM_001405857.1 and 1 more transcripts); c.3172G>T, p.Glu1058Ter (NM_001193466.2, NM_001379198.1, NM_001405854.1 and 1 more transcripts); c.3070G>T, p.Glu1024Ter (NM_001405859.1, NM_001405860.1); c.3067G>T, p.Glu1023Ter (NM_001405861.1); c.3040G>T, p.Glu1014Ter (NM_001405872.1, NM_001405873.1, NM_001405874.1); c.2983G>T, p.Glu995Ter (NM_001405875.1, NM_001405876.1, NM_001405877.1 and 1 more transcripts); c.2980G>T, p.Glu994Ter (NM_001405879.1, NM_001405880.1); c.2935G>T, p.Glu979Ter (NM_001405881.1); and 4 more; short protein forms E1014*, E994*, E1023*, E1057*, E1058*, E572*, E979*, E1024*.
Identifiers: ClinVar variation 2698917 (VCV002698917.3), dbSNP rs2510354236, ClinGen allele CA399986015.
Genomic context (GRCh38, chr17:46,031,622, plus strand): 5'-CCTCTGTCTCCCGGCCAGTCTTGCTGCCTGAGGTGCGTCGAGTGCAGCGGGCTGCTCGCT[C>A]CTGTGCATCCAGCTGGTCCTCACACTCCGCCTGGGGACTGTGCGCCAGGGGGAAGGTCCG-3'